The following is an entry in ClinVar:

ClinVar aggregate classification (germline): Uncertain significance (1 of 4 stars; one submission).

Conditions:
Mitochondrial DNA depletion syndrome 3 (hepatocerebral type). Also called: MITOCHONDRIAL DNA DEPLETION SYNDROME 3; Deoxyguanosine Kinase Deficiency; Mitochondrial DNA depletion syndrome, hepatocerebral form due to DGUOK deficiency. Identifiers: Orphanet 279934, MedGen CN074093, MONDO:0009636, OMIM 251880.

Submission:

3billion
Classification: Uncertain significance for Mitochondrial DNA depletion syndrome 3 (hepatocerebral type). Last evaluated: 2023-07-18. Review status: criteria provided, single submitter. Criteria: ACMG Guidelines, 2015. Collection method: clinical testing. Allele origin: germline. Affected: yes.
Comment: The variant is not observed in the gnomAD v2.1.1 dataset. Predicted Consequence/Location: Missense variant In silico tool predictions suggest damaging effect of the variant on gene or gene product (REVEL: 0.95; 3Cnet: 0.17). Therefore, this variant is classified as VUS according to the recommendation of ACMG/AMP guideline.

NM_080916.3(DGUOK):c.623G>T (p.Arg208Met)

Gene: DGUOK (deoxyguanosine kinase; plus strand). Cytogenetic location: 2p13.1.
Variant type: single nucleotide variant.
Coding change: c.623G>T on transcript NM_080916.3 (MANE Select); coding-DNA position 623, G replaced by T.
Protein change: p.Arg208Met; replaces arginine 208 with methionine.
Molecular consequence: missense variant. On other transcripts: non-coding transcript variant (1), intron variant (2).
Genome position (GRCh38, 1-based): chr2:73,957,156, G>T. VCF-style: chr2-73957156-G-T. GRCh37 (hg19) VCF-style: chr2-74184283-G-T.
Other names: c.332G>T, p.Arg111Met (NM_001318860.2, NM_001318861.2); c.314G>T, p.Arg105Met (NM_001318862.2, NM_001318863.2); c.444-990G>T (NM_080918.3); c.426-990G>T (NM_001318859.2); short protein forms R105M, R111M, R208M.
Identifiers: ClinVar variation 3775717 (VCV003775717.1).